The following is an entry in ClinVar:

ClinVar aggregate classification (germline): Uncertain significance. Review status: criteria provided, multiple submitters, no conflicts (2 of 4 stars). 2 submissions from 2 submitters: Uncertain significance (2). Last evaluated 2025-04-08.

Allele frequency attached by ClinVar (database versions not stated): TOPMed 0.00002; gnomAD exomes 0.00001; ExAC 0.00002.

Submissions (2):

Labcorp Genetics (formerly Invitae), Labcorp
Classification: Uncertain significance. Last evaluated: 2025-04-08. Review status: criteria provided, single submitter. Criteria: Invitae Variant Classification Sherloc (09022015). Collection method: clinical testing. Allele origin: germline.
Comment: This sequence change replaces arginine, which is basic and polar, with histidine, which is basic and polar, at codon 457 of the RASA2 protein (p.Arg457His). The frequency data for this variant in the population databases is considered unreliable, as metrics indicate poor data quality at this position in the gnomAD database. This variant has not been reported in the literature in individuals affected with RASA2-related conditions. ClinVar contains an entry for this variant (Variation ID: 2703483). Invitae Evidence Modeling of protein sequence and biophysical properties (such as structural, functional, and spatial information, amino acid conservation, physicochemical variation, residue mobility, and thermodynamic stability) indicates that this missense variant is not expected to disrupt RASA2 protein function with a negative predictive value of 80%. In summary, the available evidence is currently insufficient to determine the role of this variant in disease. Therefore, it has been classified as a Variant of Uncertain Significance.

Ambry Genetics
Classification: Uncertain significance. Last evaluated: 2024-09-25. Review status: criteria provided, single submitter. Criteria: Ambry Variant Classification Scheme 2023. Collection method: clinical testing. Allele origin: germline.
Comment: The p.R457H variant (also known as c.1370G>A), located in coding exon 14 of the RASA2 gene, results from a G to A substitution at nucleotide position 1370. The arginine at codon 457 is replaced by histidine, an amino acid with highly similar properties. This amino acid position is conserved. In addition, the in silico prediction for this alteration is inconclusive. Based on the available evidence, the clinical significance of this variant remains unclear.

NM_006506.5(RASA2):c.1370G>A (p.Arg457His)

Gene: RASA2 (RAS p21 protein activator 2; plus strand). Cytogenetic location: 3q23.
Variant type: single nucleotide variant.
Coding change: c.1370G>A on transcript NM_006506.5 (MANE Select); coding-DNA position 1370, G replaced by A.
Protein change: p.Arg457His; replaces arginine 457 with histidine.
Molecular consequence: missense variant.
Genome position (GRCh38, 1-based): chr3:141,573,954, G>A. VCF-style: chr3-141573954-G-A. GRCh37 (hg19) VCF-style: chr3-141292796-G-A.
Other names: c.1370G>A (NM_006506.2); c.1370G>A, p.Arg457His (NM_001303245.3, NM_001303246.3); short protein forms R457H.
Identifiers: ClinVar variation 2703483 (VCV002703483.4), dbSNP rs759403334, ClinGen allele CA2645494.